The following is an entry in ClinVar:

NM_032444.4(SLX4):c.2168A>G (p.Asn723Ser)

Gene: SLX4 (SLX4 structure-specific endonuclease subunit; minus strand). Cytogenetic location: 16p13.3.
Variant type: single nucleotide variant.
Coding change: c.2168A>G on transcript NM_032444.4 (MANE Select); coding-DNA position 2168, A replaced by G.
Protein change: p.Asn723Ser; replaces asparagine 723 with serine.
Molecular consequence: missense variant.
Genome position (GRCh38, 1-based): chr16:3,592,858, T>C on the plus strand (A>G on the coding strand, the complement: SLX4 is on the minus strand). VCF-style: chr16-3592858-T-C. GRCh37 (hg19) VCF-style: chr16-3642859-T-C.
Other names: short protein forms N723S.
Identifiers: ClinVar variation 1692006 (VCV001692006.1), dbSNP rs2151127319, ClinGen allele CA394525198.

ClinVar aggregate classification (germline): Uncertain significance (1 of 4 stars; one submission).

Conditions:
Fanconi anemia (FA). Also called: Fanconi's anemia. Identifiers: Orphanet 84, MedGen C0015625, MeSH D005199, MONDO:0019391.

gnomAD v4.1: 1 of 1,610,182 alleles (0.000062%); highest among the groups gnomAD compares: Non-Finnish European, 0.000085%; no homozygotes.

Submission:

Sema4
Classification: Uncertain significance for Fanconi anemia. Last evaluated: 2021-10-22. Review status: criteria provided, single submitter. Criteria: Sema4 Curation Guidelines. Collection method: curation. Allele origin: germline.
Comment: The SLX4 c.2168A>G (p.N723S) variant has not been reported in the literature to our knowledge. It was not observed in the large and broad cohorts of the Genome Aggregation Database (PMID: 32461654). The variant has not been reported in ClinVar. In silico tools suggest the impact of the variant on protein function is benign, though these predictions have not been confirmed by functional studies. The evidence is insufficient to meet ACMG/AMP criteria for classifying the variant as benign or pathogenic. Thus, the clinical significance of this variant is currently uncertain.